The following is an entry in ClinVar:

ClinVar aggregate classification (germline): Uncertain significance (1 of 4 stars; one submission).

Submission:

Labcorp Genetics (formerly Invitae), Labcorp
Classification: Uncertain significance. Last evaluated: 2021-11-15. Review status: criteria provided, single submitter. Criteria: Invitae Variant Classification Sherloc (09022015). Collection method: clinical testing. Allele origin: germline.
Comment: In summary, the available evidence is currently insufficient to determine the role of this variant in disease. Therefore, it has been classified as a Variant of Uncertain Significance. Algorithms developed to predict the effect of missense changes on protein structure and function (SIFT, PolyPhen-2, Align-GVGD) all suggest that this variant is likely to be tolerated. This variant has not been reported in the literature in individuals affected with FGFR3-related conditions. This variant is not present in population databases (gnomAD no frequency). This sequence change replaces leucine, which is neutral and non-polar, with valine, which is neutral and non-polar, at codon 437 of the FGFR3 protein (p.Leu437Val).

NM_000142.5(FGFR3):c.1309C>G (p.Leu437Val)

Gene: FGFR3 (fibroblast growth factor receptor 3; plus strand). Cytogenetic location: 4p16.3.
Variant type: single nucleotide variant.
Coding change: c.1309C>G on transcript NM_000142.5 (MANE Select); coding-DNA position 1309, C replaced by G.
Protein change: p.Leu437Val; replaces leucine 437 with valine.
Molecular consequence: missense variant. On other transcripts: non-coding transcript variant (1).
Genome position (GRCh38, 1-based): chr4:1,804,866, C>G. VCF-style: chr4-1804866-C-G. GRCh37 (hg19) VCF-style: chr4-1806593-C-G.
Other names: c.1315C>G, p.Leu439Val (NM_001163213.2); c.1312C>G, p.Leu438Val (NM_001354809.2, NM_001354810.2); c.973C>G, p.Leu325Val (NM_022965.4); short protein forms L325V, L437V, L438V, L439V.
Identifiers: ClinVar variation 1680070 (VCV001680070.6), dbSNP rs2108799995, ClinGen allele CA355980165.
Genomic context (GRCh38, chr4:1,804,866, plus strand): 5'-CCCTGCTGACCCAAGCAGGTGTCCCTGGAGTCCAACGCGTCCATGAGCTCCAACACACCA[C>G]TGGTGCGCATCGCAAGGCTGTCCTCAGGGGAGGGCCCCACGCTGGCCAATGTCTCCGAGC-3'
Protein context (NP_000133.1, residues 427-447): SNASMSSNTP[Leu437Val]VRIARLSSGE